The following is an entry in ClinVar:

NM_001099403.2(PRDM8):c.1184C>T (p.Ala395Val)

Gene: PRDM8 (PR/SET domain 8; plus strand). Cytogenetic location: 4q21.21.
Variant type: single nucleotide variant.
Coding change: c.1184C>T on transcript NM_001099403.2 (MANE Select); coding-DNA position 1184, C replaced by T.
Protein change: p.Ala395Val; replaces alanine 395 with valine.
Molecular consequence: missense variant.
Genome position (GRCh38, 1-based): chr4:80,202,646, C>T. VCF-style: chr4-80202646-C-T. GRCh37 (hg19) VCF-style: chr4-81123800-C-T.
Other names: c.1184C>T, p.Ala395Val (NM_020226.4); short protein forms A395V.
Identifiers: ClinVar variation 1972004 (VCV001972004.5), dbSNP rs1738603291, ClinGen allele CA357399175.
Genomic context (GRCh38, chr4:80,202,646, plus strand): 5'-GTCCCGAGACGGGCGAGGCGAAGCGCAGCGCCTTCGTGGAGGTGAAGAAGGCTGCCCGCG[C>T]GGCCAGCCTGCAGGAGGAGGGGACAGCCGACGGCGCGGGAGTCGCCTCCGAGGACCAGGA-3'
Protein context (NP_001092873.1, residues 385-405): AFVEVKKAAR[Ala395Val]ASLQEEGTAD

ClinVar aggregate classification (germline): Uncertain significance (1 of 4 stars; one submission).

Conditions:
Early-onset Lafora body disease. Also called: Epilepsy, progressive myoclonic, 10. Identifiers: Orphanet 324290, MedGen C4225258, MONDO:0014717, OMIM 616640.

Submission:

Labcorp Genetics (formerly Invitae), Labcorp
Classification: Uncertain significance for Early-onset Lafora body disease. Last evaluated: 2022-05-05. Review status: criteria provided, single submitter. Criteria: Invitae Variant Classification Sherloc (09022015). Collection method: clinical testing. Allele origin: germline.
Comment: This sequence change replaces alanine, which is neutral and non-polar, with valine, which is neutral and non-polar, at codon 395 of the PRDM8 protein (p.Ala395Val). In summary, the available evidence is currently insufficient to determine the role of this variant in disease. Therefore, it has been classified as a Variant of Uncertain Significance. Algorithms developed to predict the effect of missense changes on protein structure and function output the following: SIFT: "Deleterious"; PolyPhen-2: "Benign"; Align-GVGD: "Class C0". The valine amino acid residue is found in multiple mammalian species, which suggests that this missense change does not adversely affect protein function. This variant has not been reported in the literature in individuals affected with PRDM8-related conditions. This variant is not present in population databases (gnomAD no frequency).